The following is an entry in ClinVar:

ClinVar aggregate classification (germline): Uncertain significance. Review status: criteria provided, multiple submitters, no conflicts (2 of 4 stars). 2 submissions from 2 submitters: Uncertain significance (2). Last evaluated 2024-06-14.

Conditions:
Hereditary cancer-predisposing syndrome. Also called: Neoplastic Syndromes, Hereditary; Tumor predisposition; Hereditary neoplastic syndrome; Hereditary Cancer Syndrome. Identifiers: Orphanet 140162, MedGen C0027672, MeSH D009386, MONDO:0015356.
Cardiovascular phenotype. Identifiers: MedGen CN230736.
Noonan syndrome 2 (NS2). Identifiers: Orphanet 648, MedGen C1854469, MONDO:0011531, OMIM 605275.
LZTR1-related schwannomatosis. Also called: Schwannomatosis 2; Schwannomatosis-2, susceptibility to. Identifiers: Orphanet 93921, MedGen C3810283, MONDO:0014299, OMIM 615670.
Noonan syndrome 10 (NS10). Identifiers: Orphanet 648, MedGen C4225280, MONDO:0014693, OMIM 616564.

gnomAD v4.1: 1 of 1,613,004 alleles (0.000062%); highest among the groups gnomAD compares: African/African-American, 0.0013%; no homozygotes.

Submissions (2):

Fulgent Genetics
Classification: Uncertain significance for Noonan syndrome 2; LZTR1-related schwannomatosis; Noonan syndrome 10. Last evaluated: 2024-06-14. Review status: criteria provided, single submitter. Criteria: ACMG Guidelines, 2015. Collection method: clinical testing. Allele origin: germline.

Ambry Genetics
Classification: Uncertain significance for Cardiovascular phenotype; Hereditary cancer-predisposing syndrome. Last evaluated: 2023-09-23. Review status: criteria provided, single submitter. Criteria: Ambry Variant Classification Scheme 2023. Collection method: clinical testing. Allele origin: germline.
Comment: The p.F447L variant (also known as c.1341C>G), located in coding exon 12 of the LZTR1 gene, results from a C to G substitution at nucleotide position 1341. The phenylalanine at codon 447 is replaced by leucine, an amino acid with highly similar properties. This amino acid position is highly conserved in available vertebrate species. In addition, this alteration is predicted to be tolerated by in silico analysis. Since supporting evidence is limited at this time, the clinical significance of this alteration remains unclear.

NM_006767.4(LZTR1):c.1341C>G (p.Phe447Leu)

Gene: LZTR1 (leucine zipper like post translational regulator 1; plus strand). Cytogenetic location: 22q11.21.
Variant type: single nucleotide variant.
Coding change: c.1341C>G on transcript NM_006767.4 (MANE Select); coding-DNA position 1341, C replaced by G.
Protein change: p.Phe447Leu; replaces phenylalanine 447 with leucine.
Molecular consequence: missense variant.
Genome position (GRCh38, 1-based): chr22:20,993,742, C>G. VCF-style: chr22-20993742-C-G. GRCh37 (hg19) VCF-style: chr22-21348031-C-G.
Other names: short protein forms F447L.
Identifiers: ClinVar variation 3238062 (VCV003238062.2), dbSNP rs201016956.